The following is an entry in ClinVar:

NM_001408458.1(BRCA1):c.-61-9703_-61-8238del

Genes: BRCA1 (BRCA1 DNA repair associated; minus strand), LOC111589215 (BRCA1 promoter region; plus strand). Cytogenetic location: 17q21.31.
Variant type: Deletion.
Coding change: c.-61-9703_-61-8238del on transcript NM_001408458.1; 9703 bases into the intron before 61 bases upstream of the start codon through 8238 bases into the intron before 61 bases upstream of the start codon, 1,466 bases deleted.
Molecular consequence: intron variant.
Genome position (GRCh38, 1-based): chr17:43,124,017-43,125,482, 1,466 bases deleted. GRCh37 (hg19): chr17:41,276,036-41,277,501.
Identifiers: ClinVar variation 3393452 (VCV003393452.2).

ClinVar aggregate classification (germline): Uncertain significance (1 of 4 stars; one submission).

Conditions:
Fanconi anemia, complementation group S (FANCS). Identifiers: MedGen C4554406, MONDO:0054748, OMIM 617883.

Submission:

Kasturba Medical College, Manipal, Kasturba Medical College, Manipal, Manipal Academy of Higher Education, Manipal, India
Classification: Uncertain significance for Fanconi anemia, complementation group S. Review status: criteria provided, single submitter. Criteria: ACMG/ClinGen CNV Guidelines, 2019. Collection method: research. Allele origin: paternal. Inheritance: Autosomal recessive inheritance. Affected: yes. Observed: 1 heterozygote.
Comment: Copy number variant analysis (CNV) from exome sequencing data revealed a ~ 1.5 Kb heterozygous deletion at 17q21.31 (chr17:43124018-43125483) involving 5'UTR, exon 1, and exon. This CNV is not seen in homozygous state in the population database like gnomAD and Database of Genomic Variants (DGV). However, there is another CNV (Chr17: 43124116 - 43125483) reported spanning within this region in ClinVar database as pathogenic causing breast-ovarian cancer, familial, susceptibility to , 1 (ClinVar ID - 373865) .